The following is an entry in ClinVar:

ClinVar aggregate classification (germline): Uncertain significance (1 of 4 stars; one submission).

Allele frequency attached by ClinVar (database versions not stated): TOPMed below 0.00001.

Submission:

Labcorp Genetics (formerly Invitae), Labcorp
Classification: Uncertain significance. Last evaluated: 2022-04-23. Review status: criteria provided, single submitter. Criteria: Invitae Variant Classification Sherloc (09022015). Collection method: clinical testing. Allele origin: germline.
Comment: This sequence change replaces arginine, which is basic and polar, with glycine, which is neutral and non-polar, at codon 341 of the KCNH1 protein (p.Arg341Gly). This variant is not present in population databases (gnomAD no frequency). This variant has not been reported in the literature in individuals affected with KCNH1-related conditions. Advanced modeling of protein sequence and biophysical properties (such as structural, functional, and spatial information, amino acid conservation, physicochemical variation, residue mobility, and thermodynamic stability) performed at Invitae indicates that this missense variant is not expected to disrupt KCNH1 protein function. Algorithms developed to predict the effect of sequence changes on RNA splicing suggest that this variant may disrupt the consensus splice site. In summary, the available evidence is currently insufficient to determine the role of this variant in disease. Therefore, it has been classified as a Variant of Uncertain Significance.

NM_172362.3(KCNH1):c.1021A>G (p.Arg341Gly)

Gene: KCNH1 (potassium voltage-gated channel subfamily H member 1; minus strand). Cytogenetic location: 1q32.2.
Variant type: single nucleotide variant.
Coding change: c.1021A>G on transcript NM_172362.3 (MANE Select); coding-DNA position 1021, A replaced by G.
Protein change: p.Arg341Gly; replaces arginine 341 with glycine.
Molecular consequence: missense variant. On other transcripts: intron variant (1).
Genome position (GRCh38, 1-based): chr1:211,018,794, T>C on the plus strand (A>G on the coding strand, the complement: KCNH1 is on the minus strand). VCF-style: chr1-211018794-T-C. GRCh37 (hg19) VCF-style: chr1-211192136-T-C.
Other names: c.951+70A>G (NM_002238.4); short protein forms R341G.
Identifiers: ClinVar variation 2129630 (VCV002129630.4), dbSNP rs1689540273, ClinGen allele CA344875536.